The following is an entry in ClinVar:

ClinVar aggregate classification (germline): Likely benign (1 of 4 stars; one submission).

Allele frequency attached by ClinVar (database versions not stated): 1000 Genomes Project 0.00240; 1000 Genomes Project 30x 0.00265; gnomAD 0.00302 and 0.00328; TOPMed 0.00317.
gnomAD v4.1: 453 of 151,906 alleles (0.3%); highest among the groups gnomAD compares: African/African-American, 1%; 3 homozygotes.

Submission:

GeneDx
Classification: Likely benign. Last evaluated: 2018-06-16. Review status: criteria provided, single submitter. Criteria: GeneDx Variant Classification (06012015). Collection method: clinical testing. Allele origin: germline. Affected: yes.
Comment: This variant is considered likely benign or benign based on one or more of the following criteria: it is a conservative change, it occurs at a poorly conserved position in the protein, it is predicted to be benign by multiple in silico algorithms, and/or has population frequency not consistent with disease.

NM_004415.4(DSP):c.727-296G>A

Gene: DSP (desmoplakin; plus strand). Cytogenetic location: 6p24.3.
Variant type: single nucleotide variant.
Coding change: c.727-296G>A on transcript NM_004415.4 (MANE Select); 296 bases into the intron before coding-DNA position 727, G replaced by A.
Molecular consequence: intron variant.
Genome position (GRCh38, 1-based): chr6:7,563,440, G>A. VCF-style: chr6-7563440-G-A. GRCh37 (hg19) VCF-style: chr6-7563673-G-A.
Other names: c.727-296G>A (NM_001319034.2, NM_001008844.3).
Identifiers: ClinVar variation 673363 (VCV000673363.1), dbSNP rs562557683, ClinGen allele CA133953707.
Genomic context (GRCh38, chr6:7,563,440, plus strand): 5'-GCTTACTTTTGTCCACCTGAGCCCCTGACCAACTTTCTCCTTCATTTCTCTAAGACCTAG[G>A]GAATCCTAAATGATGTCTTTAAACTTTAAGACAATTTTCTAACACGTGAGTCTTTAAGTG-3'